The following is an entry in ClinVar:

NM_000384.3(APOB):c.11533A>G (p.Asn3845Asp)

Gene: APOB (apolipoprotein B; minus strand). Cytogenetic location: 2p24.1.
Variant type: single nucleotide variant.
Coding change: c.11533A>G on transcript NM_000384.3 (MANE Select); coding-DNA position 11533, A replaced by G.
Protein change: p.Asn3845Asp; replaces asparagine 3845 with aspartic acid.
Molecular consequence: missense variant.
Genome position (GRCh38, 1-based): chr2:21,005,335, T>C on the plus strand (A>G on the coding strand, the complement: APOB is on the minus strand). VCF-style: chr2-21005335-T-C. GRCh37 (hg19) VCF-style: chr2-21228207-T-C.
Other names: short protein forms N3845D.
Identifiers: ClinVar variation 1734544 (VCV001734544.5), dbSNP rs143468500, ClinGen allele CA43491713.
Genomic context (GRCh38, chr2:21,005,335, plus strand): 5'-GAATCTCAATGGTCTGCTCAGGCACGATGATGGTGGGCAACTCAAAGTCTGCGATCTTGT[T>C]GGCTACTGCATTTAGATCCAAAGCAGCAATGCCATCTGAAACACTTTTTGGAAGCGTGAA-3'
Protein context (NP_000375.3, residues 3835-3855): IAALDLNAVA[Asn3845Asp]KIADFELPTI

ClinVar aggregate classification (germline): Conflicting classifications of pathogenicity. Review status: criteria provided, conflicting classifications (1 of 4 stars). 2 submissions from 2 submitters: Uncertain significance (1); Benign (1). Last evaluated 2023-06-01.

Conditions:
Familial hypobetalipoproteinemia 1. Also called: APOB-Related Familial Hypobetalipoproteinemia; Hypobetalipoproteinemia, normotriglyceridemic; Acanthocytosis with hypobetalipoproteinemia. Identifiers: MedGen C4551990, MONDO:0014252, OMIM 615558.
Hypercholesterolemia, autosomal dominant, type B (FHCL2). Also called: Hyperlipoproteinemia Type IIb; Familial hypercholesterolemia 2; Familial Hypercholesterolemia Type B; APOLIPOPROTEIN B-100, FAMILIAL DEFECTIVE; APOLIPOPROTEIN B-100, FAMILIAL LIGAND-DEFECTIVE; HYPERCHOLESTEROLEMIA, FAMILIAL, DUE TO LIGAND-DEFECTIVE APOLIPOPROTEIN B. Identifiers: MedGen C1704417, MONDO:0007751, OMIM 144010.
Cardiovascular phenotype. Identifiers: MedGen CN230736.

Allele frequency attached by ClinVar (database versions not stated): gnomAD 0.00002; TOPMed 0.00003; ESP Exome Variant Server 0.00008.
gnomAD v4.1: 5 of 1,613,978 alleles (0.00031%); highest among the groups gnomAD compares: African/African-American, 0.0053%; no homozygotes.

Submissions (2):

Labcorp Genetics (formerly Invitae), Labcorp
Classification: Benign for Familial hypobetalipoproteinemia 1; Hypercholesterolemia, autosomal dominant, type B. Last evaluated: 2023-06-01. Review status: criteria provided, single submitter. Criteria: Invitae Variant Classification Sherloc (09022015). Collection method: clinical testing. Allele origin: germline.

Ambry Genetics
Classification: Uncertain significance for Cardiovascular phenotype. Last evaluated: 2019-11-19. Review status: criteria provided, single submitter. Criteria: Ambry Variant Classification Scheme 2023. Collection method: clinical testing. Allele origin: germline.
Comment: The p.N3845D variant (also known as c.11533A>G), located in coding exon 26 of the APOB gene, results from an A to G substitution at nucleotide position 11533. The asparagine at codon 3845 is replaced by aspartic acid, an amino acid with highly similar properties. This amino acid position is poorly conserved in available vertebrate species. In addition, this alteration is predicted to be tolerated by in silico analysis. Since supporting evidence is limited at this time, the clinical significance of this alteration remains unclear.